The following is an entry in ClinVar:

ClinVar aggregate classification (germline): Uncertain significance. Review status: criteria provided, multiple submitters, no conflicts (2 of 4 stars). 2 submissions from 2 submitters: Uncertain significance (2). Last evaluated 2026-01-22.

Conditions:
SRP54-related disorder. Also called: SRP54-related condition.

Allele frequency attached by ClinVar (database versions not stated): gnomAD 0.00001; ExAC 0.00002; TOPMed 0.00002; gnomAD exomes 0.00004.
gnomAD v4.1: 28 of 1,612,892 alleles (0.0017%); highest among the groups gnomAD compares: Admixed American, 0.017%; no homozygotes.

Submissions (2):

Labcorp Genetics (formerly Invitae), Labcorp
Classification: Uncertain significance. Last evaluated: 2026-01-22. Review status: criteria provided, single submitter. Criteria: Invitae Variant Classification Sherloc (09022015). Collection method: clinical testing. Allele origin: germline.
Comment: This sequence change replaces serine, which is neutral and polar, with leucine, which is neutral and non-polar, at codon 16 of the SRP54 protein (p.Ser16Leu). This variant is present in population databases (rs775147862, gnomAD 0.02%). This variant has not been reported in the literature in individuals affected with SRP54-related conditions. ClinVar contains an entry for this variant (Variation ID: 1427757). Invitae Evidence Modeling of protein sequence and biophysical properties (such as structural, functional, and spatial information, amino acid conservation, physicochemical variation, residue mobility, and thermodynamic stability) has been performed for this missense variant. However, the output from this modeling did not meet the statistical confidence thresholds required to predict the impact of this variant on SRP54 protein function. In summary, the available evidence is currently insufficient to determine the role of this variant in disease. Therefore, it has been classified as a Variant of Uncertain Significance.

PreventionGenetics, part of Exact Sciences
Classification: Uncertain significance for SRP54-related condition. Last evaluated: 2025-08-05. Review status: criteria provided, single submitter. Criteria: ACMG Guidelines, 2015. Collection method: clinical testing. Allele origin: germline.
Comment: The SRP54 c.47C>T variant is predicted to result in the amino acid substitution p.Ser16Leu. To our knowledge, this variant has not been reported in the literature. This variant is reported in 0.017% of alleles in individuals of Latino descent in gnomAD. At this time, the clinical significance of this variant is uncertain due to the absence of conclusive functional and genetic evidence.

NM_003136.4(SRP54):c.47C>T (p.Ser16Leu)

Gene: SRP54 (signal recognition particle 54; plus strand). Cytogenetic location: 14q13.2.
Variant type: single nucleotide variant.
Coding change: c.47C>T on transcript NM_003136.4 (MANE Select); coding-DNA position 47, C replaced by T.
Protein change: p.Ser16Leu; replaces serine 16 with leucine.
Molecular consequence: missense variant. On other transcripts: 5 prime UTR variant (1).
Genome position (GRCh38, 1-based): chr14:34,996,756, C>T. VCF-style: chr14-34996756-C-T. GRCh37 (hg19) VCF-style: chr14-35465962-C-T.
Other names: c.-9C>T (NM_001146282.2); c.47C>T (NM_003136.3); short protein forms S16L.
Identifiers: ClinVar variation 1427757 (VCV001427757.7), dbSNP rs775147862, ClinGen allele CA7153471.